The following is an entry in ClinVar:

ClinVar aggregate classification (germline): Uncertain significance (1 of 4 stars; one submission).

Conditions:
Emery-Dreifuss muscular dystrophy 4, autosomal dominant (EDMD4). Also called: EMERY-DREIFUSS MUSCULAR DYSTROPHY 4 WITH VARIABLE FEATURES. Identifiers: Orphanet 261, MedGen C2751807, MONDO:0013071, OMIM 612998.
Autosomal recessive ataxia, Beauce type. Also called: SYNE1 Deficiency; Spinocerebellar ataxia, autosomal recessive 8; ATAXIA, RECESSIVE, OF BEAUCE; SYNE1-Related Autosomal Recessive Cerebellar Ataxia. Identifiers: Orphanet 88644, MedGen C1853116, MONDO:0012549, OMIM 610743.

Allele frequency attached by ClinVar (database versions not stated): ExAC 0.00003; gnomAD 0.00001; gnomAD exomes 0.00001.
gnomAD v4.1: 6 of 1,614,106 alleles (0.00037%); highest among the groups gnomAD compares: East Asian, 0.011%; no homozygotes.

Submission:

Labcorp Genetics (formerly Invitae), Labcorp
Classification: Uncertain significance for Emery-Dreifuss muscular dystrophy 4, autosomal dominant; Autosomal recessive ataxia, Beauce type. Last evaluated: 2022-02-10. Review status: criteria provided, single submitter. Criteria: Invitae Variant Classification Sherloc (09022015). Collection method: clinical testing. Allele origin: germline.
Comment: This sequence change replaces serine, which is neutral and polar, with asparagine, which is neutral and polar, at codon 4956 of the SYNE1 protein (p.Ser4956Asn). This variant is present in population databases (rs778836148, gnomAD 0.03%). This variant has not been reported in the literature in individuals affected with SYNE1-related conditions. Algorithms developed to predict the effect of missense changes on protein structure and function output the following: SIFT: "Tolerated"; PolyPhen-2: "Benign"; Align-GVGD: "Class C0". The asparagine amino acid residue is found in multiple mammalian species, which suggests that this missense change does not adversely affect protein function. In summary, the available evidence is currently insufficient to determine the role of this variant in disease. Therefore, it has been classified as a Variant of Uncertain Significance.

NM_182961.4(SYNE1):c.15080G>A (p.Ser5027Asn)

Gene: SYNE1 (spectrin repeat containing nuclear envelope protein 1; minus strand). Cytogenetic location: 6q25.2.
Variant type: single nucleotide variant.
Coding change: c.15080G>A on transcript NM_182961.4 (MANE Select); coding-DNA position 15080, G replaced by A.
Protein change: p.Ser5027Asn; replaces serine 5027 with asparagine.
Molecular consequence: missense variant.
Genome position (GRCh38, 1-based): chr6:152,326,509, C>T on the plus strand (G>A on the coding strand, the complement: SYNE1 is on the minus strand). VCF-style: chr6-152326509-C-T. GRCh37 (hg19) VCF-style: chr6-152647644-C-T.
Other names: c.14867G>A, p.Ser4956Asn (NM_033071.5); short protein forms S5027N, S4956N.
Identifiers: ClinVar variation 2080096 (VCV002080096.4), dbSNP rs778836148, ClinGen allele CA4055881.
Genomic context (GRCh38, chr6:152,326,509, plus strand): 5'-CTATGGAACTGATCCTCTGTACTGAAAAATTCCATGTGGCTTTTGAGATTTTCCTCTGCG[C>T]TCTCCACGTCTAGGCCATTGCCTGCCAGCTGTAACAATTCTTGGGCATCCTCAAGCCAGT-3'
Protein context (NP_892006.3, residues 5017-5037): QLAGNGLDVE[Ser5027Asn]AEENLKSHME